The following is an entry in ClinVar:

NM_000138.5(FBN1):c.4675A>G (p.Lys1559Glu)

Gene: FBN1 (fibrillin 1; minus strand). Cytogenetic location: 15q21.1.
Variant type: single nucleotide variant.
Coding change: c.4675A>G on transcript NM_000138.5 (MANE Select); coding-DNA position 4675, A replaced by G.
Protein change: p.Lys1559Glu; replaces lysine 1559 with glutamic acid.
Molecular consequence: missense variant.
Genome position (GRCh38, 1-based): chr15:48,468,010, T>C on the plus strand (A>G on the coding strand, the complement: FBN1 is on the minus strand). VCF-style: chr15-48468010-T-C. GRCh37 (hg19) VCF-style: chr15-48760207-T-C.
Other names: c.4675A>G, p.Lys1559Glu (NM_001406716.1); short protein forms K1559E.
Identifiers: ClinVar variation 4756673 (VCV004756673.1).

ClinVar aggregate classification (germline): Uncertain significance (1 of 4 stars; one submission).

Conditions:
Familial thoracic aortic aneurysm and aortic dissection (TAAD). Also called: Thoracic aortic aneurysms and dissections. Identifiers: Orphanet 91387, MedGen C4707243, MONDO:0019625.

Submission:

Color Diagnostics, LLC DBA Color Health
Classification: Uncertain significance for Familial thoracic aortic aneurysm and aortic dissection. Last evaluated: 2025-05-25. Review status: criteria provided, single submitter. Criteria: ACMG Guidelines, 2015. Collection method: clinical testing. Allele origin: germline.
Comment: This missense variant replaces lysine with glutamic acid at codon 1559 of the FBN1 protein. Computational prediction suggests that this variant may have deleterious impact on protein structure and function. To our knowledge, functional studies have not been reported for this variant. This variant has not been reported in individuals affected with FBN1-related disorders in the literature. This variant has not been identified in the general population by the Genome Aggregation Database (gnomAD). The available evidence is insufficient to determine the role of this variant in disease conclusively. Therefore, this variant is classified as a Variant of Uncertain Significance.